The following is an entry in ClinVar:

ClinVar aggregate classification (germline): Uncertain significance. Review status: criteria provided, multiple submitters, no conflicts (2 of 4 stars). 2 submissions from 2 submitters: Uncertain significance (2). Last evaluated 2024-12-02.

Conditions:
Melanoma, cutaneous malignant, susceptibility to, 5. Also called: Cutaneous malignant melanoma 5. Identifiers: Orphanet 618, MedGen C2751295, MONDO:0013133, OMIM 613099.

Submissions (2):

Ambry Genetics
Classification: Uncertain significance. Last evaluated: 2024-12-02. Review status: criteria provided, single submitter. Criteria: Ambry Variant Classification Scheme 2023. Collection method: clinical testing. Allele origin: germline.
Comment: The p.A2S variant (also known as c.4G>T), located in coding exon 1 of the MC1R gene, results from a G to T substitution at nucleotide position 4. The alanine at codon 2 is replaced by serine, an amino acid with similar properties. This amino acid position is conserved. In addition, this alteration is predicted to be tolerated by in silico analysis. Based on the available evidence, the clinical significance of this variant remains unclear.

Labcorp Genetics (formerly Invitae), Labcorp
Classification: Uncertain significance for Melanoma, cutaneous malignant, susceptibility to, 5. Last evaluated: 2023-09-14. Review status: criteria provided, single submitter. Criteria: Invitae Variant Classification Sherloc (09022015). Collection method: clinical testing. Allele origin: germline.
Comment: This variant is not present in population databases (gnomAD no frequency). This variant has not been reported in the literature in individuals affected with MC1R-related conditions. ClinVar contains an entry for this variant (Variation ID: 2296009). Advanced modeling of protein sequence and biophysical properties (such as structural, functional, and spatial information, amino acid conservation, physicochemical variation, residue mobility, and thermodynamic stability) performed at Invitae indicates that this missense variant is not expected to disrupt MC1R protein function. In summary, the available evidence is currently insufficient to determine the role of this variant in disease. Therefore, it has been classified as a Variant of Uncertain Significance. This sequence change replaces alanine, which is neutral and non-polar, with serine, which is neutral and polar, at codon 2 of the MC1R protein (p.Ala2Ser).

NM_002386.4(MC1R):c.4G>T (p.Ala2Ser)

Gene: MC1R (melanocortin 1 receptor; plus strand). Cytogenetic location: 16q24.3.
Variant type: single nucleotide variant.
Coding change: c.4G>T on transcript NM_002386.4 (MANE Select); coding-DNA position 4, G replaced by T.
Protein change: p.Ala2Ser; replaces alanine 2 with serine.
Molecular consequence: missense variant.
Genome position (GRCh38, 1-based): chr16:89,919,262, G>T. VCF-style: chr16-89919262-G-T. GRCh37 (hg19) VCF-style: chr16-89985670-G-T.
Other names: short protein forms A2S.
Identifiers: ClinVar variation 2296009 (VCV002296009.6), dbSNP rs1171269324, ClinGen allele CA397458877.
Genomic context (GRCh38, chr16:89,919,262, plus strand): 5'-AGAACTGTGGGGACCTGGAGGCCTCCAACGACTCCTTCCTGCTTCCTGGACAGGACTATG[G>T]CTGTGCAGGGATCCCAGAGAAGACTTCTGGGCTCCCTCAACTCCACCCCCACAGCCATCC-3'
Protein context (NP_002377.4, residues 1-12): M[Ala2Ser]VQGSQRRLLG